The following is an entry in ClinVar:

ClinVar aggregate classification (germline): Uncertain significance (1 of 4 stars; one submission).

Allele frequency attached by ClinVar (database versions not stated): gnomAD 0.00001.

Submission:

GeneDx
Classification: Uncertain significance. Last evaluated: 2022-09-16. Review status: criteria provided, single submitter. Criteria: GeneDx Variant Classification Process June 2021. Collection method: clinical testing. Allele origin: germline. Affected: yes.
Comment: Not observed at significant frequency in large population cohorts (gnomAD); In silico analysis supports that this missense variant does not alter protein structure/function; Has not been previously published as pathogenic or benign to our knowledge

NM_002234.4(KCNA5):c.685C>G (p.Arg229Gly)

Gene: KCNA5 (potassium voltage-gated channel subfamily A member 5; plus strand). Cytogenetic location: 12p13.32.
Variant type: single nucleotide variant.
Coding change: c.685C>G on transcript NM_002234.4 (MANE Select); coding-DNA position 685, C replaced by G.
Protein change: p.Arg229Gly; replaces arginine 229 with glycine.
Molecular consequence: missense variant.
Genome position (GRCh38, 1-based): chr12:5,044,832, C>G. VCF-style: chr12-5044832-C-G. GRCh37 (hg19) VCF-style: chr12-5153998-C-G.
Other names: short protein forms R229G.
Identifiers: ClinVar variation 2444533 (VCV002444533.1), dbSNP rs1555100213, ClinGen allele CA383464946.